The following is an entry in ClinVar:

NM_000094.4(COL7A1):c.2065G>T (p.Val689Leu)

Gene: COL7A1 (collagen type VII alpha 1 chain; minus strand). Cytogenetic location: 3p21.31.
Variant type: single nucleotide variant.
Coding change: c.2065G>T on transcript NM_000094.4 (MANE Select); coding-DNA position 2065, G replaced by T.
Protein change: p.Val689Leu; replaces valine 689 with leucine.
Molecular consequence: missense variant.
Genome position (GRCh38, 1-based): chr3:48,589,704, C>A on the plus strand (G>T on the coding strand, the complement: COL7A1 is on the minus strand). VCF-style: chr3-48589704-C-A. GRCh37 (hg19) VCF-style: chr3-48627137-C-A.
Other names: short protein forms V689L.
Identifiers: ClinVar variation 3674098 (VCV003674098.2).
Genomic context (GRCh38, chr3:48,589,704, plus strand): 5'-CCCTGGTCCAGGTAATGGTGACAGATGAGCTGCTGGCCTGAGTCACATGGACCGTCCTCA[C>A]TGGGCCCAGTGGGTCTAGTGGGGAGAGGCAATGGGGAGTCTGCTGGAACAGGCAGGAAGG-3'
Protein context (NP_000085.1, residues 679-699): IVARTDPLGP[Val689Leu]RTVHVTQASS

ClinVar aggregate classification (germline): Uncertain significance (1 of 4 stars; one submission).

Submission:

Labcorp Genetics (formerly Invitae), Labcorp
Classification: Uncertain significance. Last evaluated: 2024-03-28. Review status: criteria provided, single submitter. Criteria: Invitae Variant Classification Sherloc (09022015). Collection method: clinical testing. Allele origin: germline.
Comment: This sequence change replaces valine, which is neutral and non-polar, with leucine, which is neutral and non-polar, at codon 689 of the COL7A1 protein (p.Val689Leu). This variant is not present in population databases (gnomAD no frequency). This variant has not been reported in the literature in individuals affected with COL7A1-related conditions. Advanced modeling of protein sequence and biophysical properties (such as structural, functional, and spatial information, amino acid conservation, physicochemical variation, residue mobility, and thermodynamic stability) performed at Invitae indicates that this missense variant is not expected to disrupt COL7A1 protein function with a negative predictive value of 95%. In summary, the available evidence is currently insufficient to determine the role of this variant in disease. Therefore, it has been classified as a Variant of Uncertain Significance.